The following is an entry in ClinVar:

NM_000334.4(SCN4A):c.4573A>C (p.Ser1525Arg)

Genes: GH-LCR (growth hormone locus control region; plus strand), SCN4A (sodium voltage-gated channel alpha subunit 4; minus strand). Cytogenetic location: 17q23.3.
Variant type: single nucleotide variant.
Coding change: c.4573A>C on transcript NM_000334.4 (MANE Select); coding-DNA position 4573, A replaced by C.
Protein change: p.Ser1525Arg; replaces serine 1525 with arginine.
Molecular consequence: missense variant.
Genome position (GRCh38, 1-based): chr17:63,941,709, T>G on the plus strand (A>C on the coding strand, the complement: SCN4A is on the minus strand). VCF-style: chr17-63941709-T-G. GRCh37 (hg19) VCF-style: chr17-62019069-T-G.
Other names: short protein forms S1525R.
Identifiers: ClinVar variation 3765676 (VCV003765676.1).

ClinVar aggregate classification (germline): Uncertain significance (1 of 4 stars; one submission).

Submission:

Greenwood Genetic Center Diagnostic Laboratories, Greenwood Genetic Center
Classification: Uncertain significance. Last evaluated: 2024-09-30. Review status: criteria provided, single submitter. Criteria: ACMG Guidelines, 2015. Collection method: clinical testing. Allele origin: germline. Affected: yes.
Comment: PM2, PP3